The following is an entry in ClinVar:

NC_000017.10:g.(?_29663341)_(29665833_?)del

Gene: NF1 (neurofibromin 1; plus strand). Cytogenetic location: 17q11.2.
Variant type: Deletion.
Identifiers: ClinVar variation 2422727 (VCV002422727.2).

ClinVar aggregate classification (germline): Likely pathogenic (1 of 4 stars; one submission).

Conditions:
Neurofibromatosis, type 1 (NF1). Also called: Peripheral type neurofibromatosis; VON RECKLINGHAUSEN DISEASE; NEUROFIBROMATOSIS, TYPE I, SOMATIC; Neurofibromatosis, type I. Identifiers: Orphanet 636, MedGen C0027831, MONDO:0018975, OMIM 162200. Disease mechanism: loss of function.

Submission:

Labcorp Genetics (formerly Invitae), Labcorp
Classification: Likely pathogenic for Neurofibromatosis, type 1. Last evaluated: 2021-09-09. Review status: criteria provided, single submitter. Criteria: Invitae Variant Classification Sherloc (09022015). Collection method: clinical testing. Allele origin: germline.
Comment: This variant is a gross deletion of the genomic region encompassing exon(s) 40-45 of the NF1 gene. This variant would be expected to be in-frame, preserving the integrity of the reading frame. This variant has not been reported in the literature in individuals affected with NF1-related conditions. This variant disrupts the p.Lys2252 amino acid residue in NF1. Other variant(s) that disrupt this residue have been determined to be pathogenic (PMID: 25325900; Invitae). This suggests that this residue is clinically significant, and that variants that disrupt this residue are likely to be disease-causing. In summary, the currently available evidence indicates that the variant is pathogenic, but additional data are needed to prove that conclusively. Therefore, this variant has been classified as Likely Pathogenic.

Literature cited by the submitters: PubMed 25325900.